The following is an entry in ClinVar:

NM_001166271.3(SPATA13):c.1401C>T (p.Thr467=)

Gene: SPATA13 (spermatogenesis associated 13; plus strand). Cytogenetic location: 13q12.12.
Variant type: single nucleotide variant.
Coding change: c.1401C>T on transcript NM_001166271.3 (MANE Select); coding-DNA position 1401, C replaced by T.
Protein change: p.Thr467=; no amino-acid change (threonine 467 retained).
Molecular consequence: synonymous variant. On other transcripts: intron variant (1).
Genome position (GRCh38, 1-based): chr13:24,224,330, C>T. VCF-style: chr13-24224330-C-T. GRCh37 (hg19) VCF-style: chr13-24798468-C-T.
Other names: c.1587C>T, p.Thr529= (NM_001286792.2); c.-222-25147C>T (NM_153023.4).
Identifiers: ClinVar variation 3045952 (VCV003045952.2), dbSNP rs779591912, ClinGen allele CA6913909.

ClinVar aggregate classification (germline): Likely benign (0 of 4 stars; one submission).

Conditions:
SPATA13-related disorder. Also called: SPATA13-related condition.

gnomAD v4.1: 169 of 1,551,624 alleles (0.011%); highest among the groups gnomAD compares: Admixed American, 0.32%; 2 homozygotes.

Submission:

PreventionGenetics, part of Exact Sciences
Classification: Likely benign for SPATA13-related condition. Last evaluated: 2019-11-04. Review status: no assertion criteria provided. Collection method: clinical testing. Allele origin: germline.
Comment: This variant is classified as likely benign based on ACMG/AMP sequence variant interpretation guidelines (Richards et al. 2015 PMID: 25741868, with internal and published modifications).